The following is an entry in ClinVar:

ClinVar aggregate classification (germline): Uncertain significance (1 of 4 stars; one submission).

Submission:

GeneDx
Classification: Uncertain significance. Last evaluated: 2020-01-08. Review status: criteria provided, single submitter. Criteria: GeneDx Variant Classification Process June 2021. Collection method: clinical testing. Allele origin: germline. Affected: yes.
Comment: Not observed in large population cohorts (Lek et al., 2016); In silico analysis, which includes protein predictors and evolutionary conservation, supports that this variant does not alter protein structure/function; Has not been previously published as pathogenic or benign to our knowledge

NM_182760.4(SUMF1):c.187A>G (p.Ser63Gly)

Genes: SUMF1 (sulfatase modifying factor 1; minus strand), LOC129936056 (ATAC-STARR-seq lymphoblastoid silent region 14016; plus strand). Cytogenetic location: 3p26.1.
Variant type: single nucleotide variant.
Coding change: c.187A>G on transcript NM_182760.4 (MANE Select); coding-DNA position 187, A replaced by G.
Protein change: p.Ser63Gly; replaces serine 63 with glycine.
Molecular consequence: missense variant.
Genome position (GRCh38, 1-based): chr3:4,467,059, T>C on the plus strand (A>G on the coding strand, the complement: SUMF1 is on the minus strand). VCF-style: chr3-4467059-T-C. GRCh37 (hg19) VCF-style: chr3-4508743-T-C.
Other names: c.187A>G, p.Ser63Gly (NM_001164674.2, NM_001164675.2); short protein forms S63G.
Identifiers: ClinVar variation 1186778 (VCV001186778.2), dbSNP rs2124823118, ClinGen allele CA351794236.
Genomic context (GRCh38, chr3:4,467,059, plus strand): 5'-CTCCGGGTACGGGGCCCGGAGCGTTAGCCTCCCGCGAGTATCGGTGAGCGGCTGCCGAAC[T>C]GCCATGGGCGCCAGGCCGCTGGGGCGTGCCGCAGCCGCAAGAACCCGCAAGGGACCCCGC-3'
Protein context (NP_877437.2, residues 53-73): GTPQRPGAHG[Ser63Gly]SAAAHRYSRE